The following is an entry in ClinVar:

NM_007294.4(BRCA1):c.4177A>G (p.Thr1393Ala)

Gene: BRCA1 (BRCA1 DNA repair associated; minus strand). Cytogenetic location: 17q21.31.
Variant type: single nucleotide variant.
Coding change: c.4177A>G on transcript NM_007294.4 (MANE Select); coding-DNA position 4177, A replaced by G.
Protein change: p.Thr1393Ala; replaces threonine 1393 with alanine.
Molecular consequence: missense variant. On other transcripts: non-coding transcript variant (1).
Genome position (GRCh38, 1-based): chr17:43,090,952, T>C on the plus strand (A>G on the coding strand, the complement: BRCA1 is on the minus strand). VCF-style: chr17-43090952-T-C. GRCh37 (hg19) VCF-style: chr17-41242969-T-C.
Other names: c.4054A>G, p.Thr1352Ala (NM_001407919.1, NM_001407937.1, NM_001407938.1 and 19 more transcripts); c.3913A>G, p.Thr1305Ala (NM_001407920.1, NM_001407921.1, NM_001407922.1 and 9 more transcripts); c.3964A>G, p.Thr1322Ala (NM_001407571.1, NM_001407853.1, NM_001407894.1 and 9 more transcripts); c.4177A>G, p.Thr1393Ala (NM_001407581.1, NM_001407582.1, NM_001407583.1 and 30 more transcripts); c.4174A>G, p.Thr1392Ala (NM_001407587.1, NM_001407590.1, NM_001407591.1 and 22 more transcripts); c.3910A>G, p.Thr1304Ala (NM_001407930.1, NM_001407931.1, NM_001407932.1 and 2 more transcripts); c.4051A>G, p.Thr1351Ala (NM_001407940.1, NM_001407941.1, NM_001407649.1 and 11 more transcripts); c.4036A>G, p.Thr1346Ala (NM_001407942.1, NM_001407944.1, NM_001407945.1 and 29 more transcripts); and 41 more; short protein forms T1393A, T290A, T1346A, T1097A, T122A, T1323A, T162A, T163A.
Identifiers: ClinVar variation 142985 (VCV000142985.19), dbSNP rs587782870, ClinGen allele CA002672.

ClinVar aggregate classification (germline): Uncertain significance. Review status: criteria provided, multiple submitters, no conflicts (2 of 4 stars). 4 submissions from 4 submitters: Uncertain significance (2). 2 of the submissions do not count toward it. Last evaluated 2023-08-10.

Conditions:
Hereditary cancer-predisposing syndrome. Also called: Hereditary Cancer Syndrome; Neoplastic Syndromes, Hereditary; Hereditary neoplastic syndrome; Tumor predisposition. Identifiers: Orphanet 140162, MedGen C0027672, MeSH D009386, MONDO:0015356.
Hereditary breast ovarian cancer syndrome. Also called: BRCA1- and BRCA2-Associated Hereditary Breast and Ovarian Cancer; Hereditary breast and ovarian cancer syndrome; Hereditary breast and/or ovarian cancer syndrome; Breast and ovarian cancer; Hereditary breast and ovarian cancer; Hereditary breast and ovarian cancer syndrome (HBOC). Identifiers: Orphanet 145, MedGen C0677776, MeSH D061325, MONDO:0003582. Disease mechanism: loss of function.

Submissions (4):

Labcorp Genetics (formerly Invitae), Labcorp
Classification: Uncertain significance for Hereditary breast ovarian cancer syndrome. Last evaluated: 2023-08-10. Review status: criteria provided, single submitter. Criteria: Invitae Variant Classification Sherloc (09022015). Collection method: clinical testing. Allele origin: germline.
Comment: In summary, the available evidence is currently insufficient to determine the role of this variant in disease. Therefore, it has been classified as a Variant of Uncertain Significance. Advanced modeling of protein sequence and biophysical properties (such as structural, functional, and spatial information, amino acid conservation, physicochemical variation, residue mobility, and thermodynamic stability) performed at Invitae indicates that this missense variant is not expected to disrupt BRCA1 protein function. ClinVar contains an entry for this variant (Variation ID: 142985). This sequence change replaces threonine, which is neutral and polar, with alanine, which is neutral and non-polar, at codon 1393 of the BRCA1 protein (p.Thr1393Ala). This variant is not present in population databases (gnomAD no frequency). This missense change has been observed in individual(s) with clinical features of BRCA1-related conditions (PMID: 21520333).

Ambry Genetics
Classification: Uncertain significance for Hereditary cancer-predisposing syndrome. Last evaluated: 2014-04-08. Review status: criteria provided, single submitter. Criteria: Ambry Autosomal Dominant and X-Linked criteria (10/2015). Collection method: clinical testing. Allele origin: germline. Observed: 1 variant allele.
Comment: Ã¢â‚¬â€¹The p.T1393A variant (also known as c.4177A>G or 4296A>G), located in coding exon 10 of the BRCA1 gene, results from an A to G substitution at nucleotide position 4177. The threonine at codon 1393 is replaced by alanine, an amino acid with similar properties. This variant was not reported in population based cohorts in the following databases: Database of Single Nucleotide Polymorphisms (dbSNP), NHLBI Exome Sequencing Project (ESP), and 1000 Genomes Project. To date, this alteration has been detected with an allele frequency of approximately 0.002% (greater than 42,000 alleles tested) in our clinical cohort (includes this individual). Based on protein sequence alignment, this amino acid position is highly conserved in available vertebrate species. However, this alteration is predicted to be benign and deleterious by PolyPhen and SIFT in silico analyses, respectively. Since supporting evidence is limited at this time, the clinical significance of p.T1393A remains unclear.

Diagnostic Laboratory, Department of Genetics, University Medical Center Groningen
Classification: Likely benign. Review status: no assertion criteria provided. Collection method: clinical testing. Allele origin: germline. Affected: yes. Study: VKGL Data-share Consensus. Not counted in ClinVar's aggregate classification.

Joint Genome Diagnostic Labs from Nijmegen and Maastricht, Radboudumc and MUMC+
Classification: Likely benign. Review status: no assertion criteria provided. Collection method: clinical testing. Allele origin: germline. Affected: yes. Study: VKGL Data-share Consensus. Not counted in ClinVar's aggregate classification.

Literature cited by the submitters: PubMed 21520333 (cited by Labcorp Genetics (formerly Invitae), Labcorp).